The following is an entry in ClinVar:

NC_000008.11:g.(?_11703278)_(11758495_?)del

Genes: GATA4 (GATA binding protein 4), SNORA99 (small nucleolar RNA, H/ACA box 99), LOC110120689 (VISTA enhancer hs508), LOC110121280 (VISTA enhancer hs2204), LOC110121281 (VISTA enhancer hs2205) and 3 more. Cytogenetic location: 8p23.1.
Variant type: Deletion.
Identifiers: ClinVar variation 539991 (VCV000539991.2).

ClinVar aggregate classification (germline): Pathogenic (1 of 4 stars; one submission).

Conditions:
Atrioventricular septal defect 4 (AVSD4). Identifiers: MedGen C3280781, MONDO:0013747, OMIM 614430.

Submission:

Labcorp Genetics (formerly Invitae), Labcorp
Classification: Pathogenic for Atrioventricular septal defect 4. Last evaluated: 2018-07-10. Review status: criteria provided, single submitter. Criteria: Invitae Variant Classification Sherloc (09022015). Collection method: clinical testing. Allele origin: germline.
Comment: A gross deletion of the genomic region encompassing the full coding sequence of the GATA4 gene has been identified. The boundaries of this event are unknown as the deletion extends beyond the assayed region for this gene and therefore may encompass additional genes. Although a specific deletion of this gene has not been reported in the literature in individuals with GATA4-related disease, several larger deletions encompassing this gene have been reported in individuals and families with congenital heart disease (PMID: 22318994, 23239632, 23696316). Loss-of-function variants in GATA4 are known to be pathogenic (PMID: 12845333, 15235040). For these reasons, this variant has been classified as Pathogenic.

Literature cited by the submitters: PubMed 23239632; PubMed 23696316; PubMed 22318994.